The following is an entry in ClinVar:

ClinVar aggregate classification (germline): Uncertain significance. Review status: criteria provided, multiple submitters, no conflicts (2 of 4 stars). 2 submissions from 2 submitters: Uncertain significance (2). Last evaluated 2025-06-26.

Allele frequency attached by ClinVar (database versions not stated): gnomAD exomes below 0.00001.
gnomAD v4.1: 2 of 1,613,508 alleles (0.00012%); highest among the groups gnomAD compares: Non-Finnish European, 0.00017%; no homozygotes.

Submissions (2):

Women's Health and Genetics/Laboratory Corporation of America, LabCorp
Classification: Uncertain significance. Last evaluated: 2025-06-26. Review status: criteria provided, single submitter. Criteria: LabCorp Variant Classification Summary - May 2015. Collection method: clinical testing. Allele origin: germline.
Comment: Variant summary: SBF1 c.4490C>T (p.Thr1497Ile) results in a non-conservative amino acid change in the encoded protein sequence. Algorithms developed to predict the effect of missense changes on protein structure and function all suggest that this variant is likely to be disruptive. The variant allele was found at a frequency of 4e-06 in 248108 control chromosomes. The available data on variant occurrences in the general population are insufficient to allow any conclusion about variant significance. To our knowledge, no occurrence of c.4490C>T in individuals affected with Charcot-Marie-Tooth disease type 4B3 and no experimental evidence demonstrating its impact on protein function have been reported. ClinVar contains an entry for this variant (Variation ID: 1383886). Based on the evidence outlined above, the variant was classified as uncertain significance.

Labcorp Genetics (formerly Invitae), Labcorp
Classification: Uncertain significance. Last evaluated: 2024-04-04. Review status: criteria provided, single submitter. Criteria: Invitae Variant Classification Sherloc (09022015). Collection method: clinical testing. Allele origin: germline.
Comment: This sequence change replaces threonine, which is neutral and polar, with isoleucine, which is neutral and non-polar, at codon 1497 of the SBF1 protein (p.Thr1497Ile). This variant is present in population databases (no rsID available, gnomAD 0.0009%). This variant has not been reported in the literature in individuals affected with SBF1-related conditions. ClinVar contains an entry for this variant (Variation ID: 1383886). Advanced modeling of protein sequence and biophysical properties (such as structural, functional, and spatial information, amino acid conservation, physicochemical variation, residue mobility, and thermodynamic stability) has been performed at Invitae for this missense variant, however the output from this modeling did not meet the statistical confidence thresholds required to predict the impact of this variant on SBF1 protein function. In summary, the available evidence is currently insufficient to determine the role of this variant in disease. Therefore, it has been classified as a Variant of Uncertain Significance.

NM_002972.4(SBF1):c.4490C>T (p.Thr1497Ile)

Gene: SBF1 (SET binding factor 1; minus strand). Cytogenetic location: 22q13.33.
Variant type: single nucleotide variant.
Coding change: c.4490C>T on transcript NM_002972.4 (MANE Select); coding-DNA position 4490, C replaced by T.
Protein change: p.Thr1497Ile; replaces threonine 1497 with isoleucine.
Molecular consequence: missense variant.
Genome position (GRCh38, 1-based): chr22:50,455,288, G>A on the plus strand (C>T on the coding strand, the complement: SBF1 is on the minus strand). VCF-style: chr22-50455288-G-A. GRCh37 (hg19) VCF-style: chr22-50893717-G-A.
Other names: c.4415C>T, p.Thr1472Ile (NM_001365819.1); short protein forms T1472I, T1497I.
Identifiers: ClinVar variation 1383886 (VCV001383886.7), dbSNP rs1241002384, ClinGen allele CA412195665.